The following is an entry in ClinVar:

ClinVar aggregate classification (germline): Uncertain significance (1 of 4 stars; one submission).

Conditions:
Pheochromocytoma. Also called: MAX-Related Hereditary Paraganglioma-Pheochromocytoma Syndrome. Identifiers: Orphanet 29072, MedGen C0031511, MONDO:0008233, OMIM 171300, HP:0002666.
Gastrointestinal stromal tumor. Also called: Gastrointestinal stromal tumor, somatic; Gastrointestinal stroma tumor. Identifiers: Orphanet 44890, MedGen C0238198, MeSH D046152, MONDO:0011719, OMIM 606764, HP:0100723.
Pheochromocytoma/paraganglioma syndrome 4. Also called: SDHB-Related Hereditary Paraganglioma-Pheochromocytoma Syndrome; PARAGANGLIOMA, FAMILIAL MALIGNANT; PARAGANGLIOMAS, HEREDITARY EXTRAADRENAL; PHEOCHROMOCYTOMA, FAMILIAL EXTRAADRENAL; Paragangliomas 4; CAROTID BODY TUMORS AND MULTIPLE EXTRAADRENAL PHEOCHROMOCYTOMAS. Identifiers: Orphanet 29072, MedGen C1861848, MONDO:0007273, OMIM 115310.

Allele frequency attached by ClinVar (database versions not stated): TOPMed below 0.00001; gnomAD 0.00001; gnomAD exomes below 0.00001.
gnomAD v4.1: 2 of 1,612,918 alleles (0.00012%); highest among the groups gnomAD compares: Non-Finnish European, 0.00017%; no homozygotes.

Submission:

Labcorp Genetics (formerly Invitae), Labcorp
Classification: Uncertain significance for Gastrointestinal stromal tumor; Pheochromocytoma/paraganglioma syndrome 4; Pheochromocytoma. Last evaluated: 2025-05-28. Review status: criteria provided, single submitter. Criteria: Invitae Variant Classification Sherloc (09022015). Collection method: clinical testing. Allele origin: germline.
Comment: This sequence change replaces proline, which is neutral and non-polar, with leucine, which is neutral and non-polar, at codon 155 of the SDHB protein (p.Pro155Leu). This variant is not present in population databases (gnomAD no frequency). This missense change has been observed in individual(s) with pheochromocytoma and/or paraganglioma (PMID: 22517557, 34906457). ClinVar contains an entry for this variant (Variation ID: 528729). Invitae Evidence Modeling of protein sequence and biophysical properties (such as structural, functional, and spatial information, amino acid conservation, physicochemical variation, residue mobility, and thermodynamic stability) indicates that this missense variant is expected to disrupt SDHB protein function with a positive predictive value of 80%. In summary, the available evidence is currently insufficient to determine the role of this variant in disease. Therefore, it has been classified as a Variant of Uncertain Significance.

Literature cited by the submitters: PubMed 22517557; PubMed 34906457.

NM_003000.3(SDHB):c.464C>T (p.Pro155Leu)

Gene: SDHB (succinate dehydrogenase complex iron sulfur subunit B; minus strand). Cytogenetic location: 1p36.13.
Variant type: single nucleotide variant.
Coding change: c.464C>T on transcript NM_003000.3 (MANE Select); coding-DNA position 464, C replaced by T.
Protein change: p.Pro155Leu; replaces proline 155 with leucine.
Molecular consequence: missense variant.
Genome position (GRCh38, 1-based): chr1:17,027,825, G>A on the plus strand (C>T on the coding strand, the complement: SDHB is on the minus strand). VCF-style: chr1-17027825-G-A. GRCh37 (hg19) VCF-style: chr1-17354320-G-A.
Other names: short protein forms P155L.
Identifiers: ClinVar variation 528729 (VCV000528729.7), dbSNP rs1553177686, ClinGen allele CA338272998.